The following is an entry in ClinVar:

ClinVar aggregate classification (germline): Uncertain significance (1 of 4 stars; one submission).

Conditions:
Cohen syndrome (COH1). Also called: Cutis verticis gyrata, retinitis pigmentosa, and sensorineural deafness; PEPPER SYNDROME. Identifiers: Orphanet 193, MedGen C0265223, MONDO:0008999, OMIM 216550.

Allele frequency attached by ClinVar (database versions not stated): gnomAD exomes 0.00001.
gnomAD v4.1: 8 of 1,613,752 alleles (0.0005%); highest among the groups gnomAD compares: Non-Finnish European, 0.00068%; no homozygotes.

Submission:

Labcorp Genetics (formerly Invitae), Labcorp
Classification: Uncertain significance for Cohen syndrome. Last evaluated: 2022-09-27. Review status: criteria provided, single submitter. Criteria: Invitae Variant Classification Sherloc (09022015). Collection method: clinical testing. Allele origin: germline.
Comment: This sequence change replaces tyrosine, which is neutral and polar, with cysteine, which is neutral and slightly polar, at codon 812 of the VPS13B protein (p.Tyr812Cys). This variant is not present in population databases (gnomAD no frequency). This variant has not been reported in the literature in individuals affected with VPS13B-related conditions. Advanced modeling of protein sequence and biophysical properties (such as structural, functional, and spatial information, amino acid conservation, physicochemical variation, residue mobility, and thermodynamic stability) performed at Invitae indicates that this missense variant is not expected to disrupt VPS13B protein function. In summary, the available evidence is currently insufficient to determine the role of this variant in disease. Therefore, it has been classified as a Variant of Uncertain Significance.

NM_152564.5(VPS13B):c.2435A>G (p.Tyr812Cys)

Gene: VPS13B (vacuolar protein sorting 13 homolog B; plus strand). Cytogenetic location: 8q22.2.
Variant type: single nucleotide variant.
Coding change: c.2435A>G on transcript NM_152564.5 (MANE Select); coding-DNA position 2435, A replaced by G.
Protein change: p.Tyr812Cys; replaces tyrosine 812 with cysteine.
Molecular consequence: missense variant.
Genome position (GRCh38, 1-based): chr8:99,192,977, A>G. VCF-style: chr8-99192977-A-G. GRCh37 (hg19) VCF-style: chr8-100205205-A-G.
Other names: c.2435A>G, p.Tyr812Cys (NM_015243.3, NM_017890.5); short protein forms Y812C.
Identifiers: ClinVar variation 2201653 (VCV002201653.1), dbSNP rs2488954970, ClinGen allele CA371861666.